The following is an entry in ClinVar:

NM_000083.3(CLCN1):c.596G>A (p.Arg199His)

Gene: CLCN1 (chloride voltage-gated channel 1; plus strand). Cytogenetic location: 7q34.
Variant type: single nucleotide variant.
Coding change: c.596G>A on transcript NM_000083.3 (MANE Select); coding-DNA position 596, G replaced by A.
Protein change: p.Arg199His; replaces arginine 199 with histidine.
Molecular consequence: missense variant. On other transcripts: non-coding transcript variant (1).
Genome position (GRCh38, 1-based): chr7:143,321,748, G>A. VCF-style: chr7-143321748-G-A. GRCh37 (hg19) VCF-style: chr7-143018841-G-A.
Other names: c.596G>A (NM_000083.2); short protein forms R199H.
Identifiers: ClinVar variation 1923916 (VCV001923916.3), dbSNP rs2487033838, ClinGen allele CA369684439.

ClinVar aggregate classification (germline): Uncertain significance. Review status: criteria provided, multiple submitters, no conflicts (2 of 4 stars). 2 submissions from 2 submitters: Uncertain significance (2). Last evaluated 2026-06-15.

Conditions:
Inborn genetic diseases. Identifiers: MedGen C0950123, MeSH D030342.
Congenital myotonia, autosomal recessive form. Also called: Becker Generalized Myotonia; myotonia congenita, autosomal recessive; BECKER DISEASE. Identifiers: Orphanet 614, MedGen C0751360, MONDO:0009715, OMIM 255700.
Congenital myotonia, autosomal dominant form (THD). Also called: THOMSEN DISEASE; Myotonia congenita autosomal dominant. Identifiers: Orphanet 614, MedGen C2936781, MONDO:0008055, OMIM 160800.

gnomAD v4.1: 13 of 1,614,214 alleles (0.00081%); highest among the groups gnomAD compares: African/African-American, 0.0013%; no homozygotes.

Submissions (2):

Ambry Genetics
Classification: Uncertain significance for Inborn genetic diseases. Last evaluated: 2026-06-15. Review status: criteria provided, single submitter. Criteria: Ambry Variant Classification Scheme 2023. Collection method: clinical testing. Allele origin: germline.

Labcorp Genetics (formerly Invitae), Labcorp
Classification: Uncertain significance for Congenital myotonia, autosomal recessive form; Congenital myotonia, autosomal dominant form. Last evaluated: 2021-11-30. Review status: criteria provided, single submitter. Criteria: Invitae Variant Classification Sherloc (09022015). Collection method: clinical testing. Allele origin: germline.
Comment: This sequence change replaces arginine, which is basic and polar, with histidine, which is basic and polar, at codon 199 of the CLCN1 protein (p.Arg199His). This variant is not present in population databases (gnomAD no frequency). This variant has not been reported in the literature in individuals affected with CLCN1-related conditions. Advanced modeling of protein sequence and biophysical properties (such as structural, functional, and spatial information, amino acid conservation, physicochemical variation, residue mobility, and thermodynamic stability) performed at Invitae indicates that this missense variant is expected to disrupt CLCN1 protein function. In summary, the available evidence is currently insufficient to determine the role of this variant in disease. Therefore, it has been classified as a Variant of Uncertain Significance.